The following continues an entry in ClinVar:

NM_000059.4(BRCA2):c.8460A>C (p.Val2820=)

Gene: BRCA2. ClinVar aggregate classification (germline): Benign. Benign (1).

Submissions 22 to 31 of 31:

Women's Health and Genetics/Laboratory Corporation of America, LabCorp
Classification: Benign for Hereditary breast ovarian cancer syndrome. Last evaluated: 2014-01-30. Review status: criteria provided, single submitter. Criteria: LabCorp Variant Classification Summary - May 2015. Collection method: clinical testing. Allele origin: germline. Not counted in ClinVar's aggregate classification.

BRCAlab, Lund University
Classification: Benign for Breast-ovarian cancer, familial, susceptibility to, 2. Last evaluated: 2020-03-02. Review status: no assertion criteria provided. Collection method: clinical testing. Allele origin: germline. Affected: yes. Not counted in ClinVar's aggregate classification.

Counsyl
Classification: Benign for Breast-ovarian cancer, familial 2. Last evaluated: 2014-01-09. Review status: no assertion criteria provided. Collection method: literature only. Allele origin: unknown. Inheritance: Autosomal dominant inheritance. Not counted in ClinVar's aggregate classification.

Breast Cancer Information Core (BIC) (BRCA2)
Classification: Uncertain significance for Breast-ovarian cancer, familial 2. Last evaluated: 2007-01-18. Review status: no assertion criteria provided. Collection method: clinical testing. Allele origin: germline. Affected: yes. Observed: 1 variant allele. Not counted in ClinVar's aggregate classification.

Clinical Genetics DNA and cytogenetics Diagnostics Lab, Erasmus MC, Erasmus Medical Center
Classification: Benign. Review status: no assertion criteria provided. Collection method: clinical testing. Allele origin: germline. Affected: yes. Study: VKGL Data-share Consensus. Not counted in ClinVar's aggregate classification.

Clinical Genetics Laboratory, Department of Pathology, Netherlands Cancer Institute
Classification: Benign. Review status: no assertion criteria provided. Collection method: clinical testing. Allele origin: germline. Affected: yes. Study: VKGL Data-share Consensus. Not counted in ClinVar's aggregate classification.

Department of Pathology and Laboratory Medicine, Sinai Health System
Classification: Benign. Review status: no assertion criteria provided. Collection method: clinical testing. Allele origin: unknown. Affected: yes. Study: The Canadian Open Genetics Repository (COGR). Not counted in ClinVar's aggregate classification.
Comment: The p.Val2820Val variant is not expected to have clinical significance because it does not result in a change of amino acid, is not located near a splice site, is not well conserved and is recorded as a common polymorphism in public databases. dbSNPID: rs9590940. In particular it is observed at a frequency as high as 4% in A.A population from the EPS server. Myriad reports this variant as a polymorphism (personal communication) and the UMD database recorded this variant 37x and it co-occurred with a second pathogenic variant in either BRCA1 or 2 seven times. In summary, this variant is classified as benign.

Genome Diagnostics Laboratory, University Medical Center Utrecht
Classification: Benign. Review status: no assertion criteria provided. Collection method: clinical testing. Allele origin: germline. Affected: yes. Study: VKGL Data-share Consensus. Not counted in ClinVar's aggregate classification.

Joint Genome Diagnostic Labs from Nijmegen and Maastricht, Radboudumc and MUMC+
Classification: Benign. Review status: no assertion criteria provided. Collection method: clinical testing. Allele origin: germline. Affected: yes. Study: VKGL Data-share Consensus. Not counted in ClinVar's aggregate classification.

Laboratory of Diagnostic Genome Analysis, Leiden University Medical Center (LUMC)
Classification: Benign. Review status: no assertion criteria provided. Collection method: clinical testing. Allele origin: germline. Affected: yes. Study: VKGL Data-share Consensus. Not counted in ClinVar's aggregate classification.

Literature cited by the submitters: DOI 10.3389/fgene.2022.834265 (cited by National Health Laboratory Service, Universitas Academic Hospital and University of the Free State); PubMed 36329109 (cited by Genetics Program, Instituto Nacional de Cancer); PubMed 20104584 (cited by Quest Diagnostics Nichols Institute San Juan Capistrano and Counsyl); PubMed 17262179 (cited by Quest Diagnostics Nichols Institute San Juan Capistrano and Counsyl); PubMed 17289875 (cited by Counsyl); PubMed 12474142 (cited by Counsyl).